The following is an entry in ClinVar:

NM_012282.4(KCNE5):c.241T>C (p.Tyr81His)

Gene: KCNE5 (potassium voltage-gated channel subfamily E regulatory subunit 5; minus strand). Cytogenetic location: Xq23.
Variant type: single nucleotide variant.
Coding change: c.241T>C on transcript NM_012282.4 (MANE Select); coding-DNA position 241, T replaced by C.
Protein change: p.Tyr81His; replaces tyrosine 81 with histidine.
Molecular consequence: missense variant.
Genome position (GRCh38, 1-based): chrX:109,624,780, A>G on the plus strand (T>C on the coding strand, the complement: KCNE5 is on the minus strand). VCF-style: chrX-109624780-A-G. GRCh37 (hg19) VCF-style: chrX-108868009-A-G.
Other names: c.241T>C (NM_012282.3); short protein forms Y81H.
Identifiers: ClinVar variation 463280 (VCV000463280.14), dbSNP rs199924386, ClinGen allele CA10490873.

ClinVar aggregate classification (germline): Benign. Review status: criteria provided, single submitter (1 of 4 stars). 2 submissions from 2 submitters: Benign (1). 1 of the submissions does not count toward it. Last evaluated 2026-01-06.

Conditions:
KCNE5-related disorder. Also called: KCNE5-related condition.
Brugada syndrome. Also called: Sudden Unexplained Nocturnal Death Syndrome (SUNDS); Sudden unexpected nocturnal death syndrome; Sudden Unexplained Death Syndrome; Sudden unexplained nocturnal death syndrome. Identifiers: Orphanet 130, MedGen C1142166, MONDO:0015263.

Allele frequency attached by ClinVar (database versions not stated): gnomAD 0.00022 and 0.00032; TOPMed 0.00022; gnomAD exomes 0.00056 and 0.00023; ExAC 0.00067; 1000 Genomes Project 30x 0.00104; 1000 Genomes Project 0.00132.

Submissions (2):

Labcorp Genetics (formerly Invitae), Labcorp
Classification: Benign for Brugada syndrome. Last evaluated: 2026-01-06. Review status: criteria provided, single submitter. Criteria: Invitae Variant Classification Sherloc (09022015). Collection method: clinical testing. Allele origin: germline.

PreventionGenetics, part of Exact Sciences
Classification: Likely benign for KCNE5-related condition. Last evaluated: 2021-02-15. Review status: no assertion criteria provided. Collection method: clinical testing. Allele origin: germline. Not counted in ClinVar's aggregate classification.
Comment: This variant is classified as likely benign based on ACMG/AMP sequence variant interpretation guidelines (Richards et al. 2015 PMID: 25741868, with internal and published modifications).